The following is an entry in ClinVar:

NM_003982.4(SLC7A7):c.972C>G (p.Leu324=)

Gene: SLC7A7 (solute carrier family 7 member 7; minus strand). Cytogenetic location: 14q11.2.
Variant type: single nucleotide variant.
Coding change: c.972C>G on transcript NM_003982.4 (MANE Select); coding-DNA position 972, C replaced by G.
Protein change: p.Leu324=; no amino-acid change (leucine 324 retained).
Molecular consequence: synonymous variant.
Genome position (GRCh38, 1-based): chr14:22,775,859, G>C on the plus strand (C>G on the coding strand, the complement: SLC7A7 is on the minus strand). VCF-style: chr14-22775859-G-C. GRCh37 (hg19) VCF-style: chr14-23245068-G-C.
Other names: c.972C>G, p.Leu324= (NM_001126105.3, NM_001126106.4).
Identifiers: ClinVar variation 1530444 (VCV001530444.24), dbSNP rs1239008031, ClinGen allele CA485576627.

ClinVar aggregate classification (germline): Conflicting classifications of pathogenicity. Review status: criteria provided, conflicting classifications (1 of 4 stars). 2 submissions from 2 submitters: Uncertain significance (1); Likely benign (1). Last evaluated 2024-08-01.

Conditions:
Lysinuric protein intolerance (LPI). Identifiers: Orphanet 470, MedGen C0268647, MONDO:0009109, OMIM 222700.

Allele frequency attached by ClinVar (database versions not stated): gnomAD exomes below 0.00001; TOPMed below 0.00001; gnomAD 0.00001.
gnomAD v4.1: 5 of 1,613,912 alleles (0.00031%); highest among the groups gnomAD compares: South Asian, 0.0011%; no homozygotes.

Submissions (2):

CeGaT Center for Human Genetics Tuebingen
Classification: Uncertain significance. Last evaluated: 2024-08-01. Review status: criteria provided, single submitter. Criteria: CeGaT Center For Human Genetics Tuebingen Variant Classification Criteria Version 2. Collection method: clinical testing. Allele origin: germline. Affected: yes. Observed: 1 variant allele.
Comment: SLC7A7: PM2:Supporting, BP4

Labcorp Genetics (formerly Invitae), Labcorp
Classification: Likely benign for Lysinuric protein intolerance. Last evaluated: 2024-01-16. Review status: criteria provided, single submitter. Criteria: Invitae Variant Classification Sherloc (09022015). Collection method: clinical testing. Allele origin: germline.